The following is an entry in ClinVar:

ClinVar aggregate classification (germline): Uncertain significance (1 of 4 stars; one submission).

Allele frequency attached by ClinVar (database versions not stated): gnomAD 0.00001.
gnomAD v4.1: 1 of 1,574,254 alleles (0.000064%); highest among the groups gnomAD compares: African/African-American, 0.0014%; no homozygotes.

Submission:

GeneDx
Classification: Uncertain significance. Last evaluated: 2022-05-08. Review status: criteria provided, single submitter. Criteria: GeneDx Variant Classification Process June 2021. Collection method: clinical testing. Allele origin: germline. Affected: yes.
Comment: Not observed at significant frequency in large population cohorts (gnomAD); In silico analysis supports that this missense variant has a deleterious effect on protein structure/function; Has not been previously published as pathogenic or benign to our knowledge

NM_002709.3(PPP1CB):c.191T>C (p.Ile64Thr)

Gene: PPP1CB (protein phosphatase 1 catalytic subunit beta; plus strand). Cytogenetic location: 2p23.2.
Variant type: single nucleotide variant.
Coding change: c.191T>C on transcript NM_002709.3 (MANE Select); coding-DNA position 191, T replaced by C.
Protein change: p.Ile64Thr; replaces isoleucine 64 with threonine.
Molecular consequence: missense variant.
Genome position (GRCh38, 1-based): chr2:28,778,815, T>C. VCF-style: chr2-28778815-T-C. GRCh37 (hg19) VCF-style: chr2-29001681-T-C.
Other names: c.191T>C, p.Ile64Thr (NM_206876.2); short protein forms I64T.
Identifiers: ClinVar variation 1723466 (VCV001723466.2), dbSNP rs1667090919, ClinGen allele CA346581336.